The following is an entry in ClinVar:

Conditions:
Long QT syndrome 5 (LQT5). Identifiers: Orphanet 101016, Orphanet 768, MedGen C1867904, MONDO:0013372, OMIM 613695.

Submission:

Roden Lab, Vanderbilt University Medical Center
No classification provided (evidence only). Condition: Long QT syndrome 5. Review status: no classification provided. Collection method: in vitro. Allele origin: not applicable. Functional consequence: Effect on ion channel function.
ClinVar note: "not provided" was previously submitted as the classification for the variant. However, the classification appeared to be based only on an observation of functional data so it was converted to no classification on 2025-07-30.

NM_000219.6(KCNE1):c.378G>C (p.Lys126Asn)

Gene: KCNE1 (potassium voltage-gated channel subfamily E regulatory subunit 1; minus strand). Cytogenetic location: 21q22.12.
Variant type: single nucleotide variant.
Coding change: c.378G>C on transcript NM_000219.6 (MANE Select); coding-DNA position 378, G replaced by C.
Protein change: p.Lys126Asn; replaces lysine 126 with asparagine.
Molecular consequence: missense variant.
Genome position (GRCh38, 1-based): chr21:34,449,257, C>G on the plus strand (G>C on the coding strand, the complement: KCNE1 is on the minus strand). VCF-style: chr21-34449257-C-G. GRCh37 (hg19) VCF-style: chr21-35821555-C-G.
Other names: c.378G>C, p.Lys126Asn (NM_001127668.4, NM_001127669.4, NM_001127670.4 and 4 more transcripts); short protein forms K126N.
Identifiers: ClinVar variation 3373863 (VCV003373863.2).